The following is an entry in ClinVar:

NM_001393530.1(MATN4):c.1651C>T (p.Arg551Cys)

Gene: MATN4 (matrilin 4; minus strand). Cytogenetic location: 20q13.12.
Variant type: single nucleotide variant.
Coding change: c.1651C>T on transcript NM_001393530.1 (MANE Select); coding-DNA position 1651, C replaced by T.
Protein change: p.Arg551Cys; replaces arginine 551 with cysteine.
Molecular consequence: missense variant.
Genome position (GRCh38, 1-based): chr20:45,293,944, G>A on the plus strand (C>T on the coding strand, the complement: MATN4 is on the minus strand). VCF-style: chr20-45293944-G-A. GRCh37 (hg19) VCF-style: chr20-43922584-G-A.
Other names: c.1651C>T, p.Arg551Cys (NM_001393531.1, NM_003833.5); c.1528C>T, p.Arg510Cys (NM_030590.4); c.1405C>T, p.Arg469Cys (NM_030592.4); short protein forms R510C, R551C, R469C.
Identifiers: ClinVar variation 714818 (VCV000714818.6), dbSNP rs2233105, ClinGen allele CA9875862.
Genomic context (GRCh38, chr20:45,293,944, plus strand): 5'-CGCGCCACCAGCCCCAAAGGATATGGTTCAGCGTCAGGCTCTCGAGCGCCCCCAGCGTGC[G>A]GCCCTGGAACTCCACGAGGCTTTCGCATTCGCATGGGCTCCGAAGCTCTGTCCCTGCGCT-3'
Protein context (NP_001380459.1, residues 541-561): ECESLVEFQG[Arg551Cys]TLGALESLTL

ClinVar aggregate classification (germline): Benign. Review status: criteria provided, multiple submitters, no conflicts (2 of 4 stars). 3 submissions from 3 submitters: Benign (2). 1 of the submissions does not count toward it. Last evaluated 2018-07-04.

Conditions:
MATN4-related disorder. Also called: MATN4-related condition.

Allele frequency attached by ClinVar (database versions not stated): gnomAD exomes 0.00158 and 0.00387; ExAC 0.00470; gnomAD 0.01451 and 0.01552; ESP Exome Variant Server 0.01522; TOPMed 0.01558; 1000 Genomes Project 0.01617; 1000 Genomes Project 30x 0.01702.
gnomAD v4.1: 4,591 of 1,602,248 alleles (0.29%); highest among the groups gnomAD compares: African/African-American, 5.2%; 107 homozygotes.

Submissions (3):

Labcorp Genetics (formerly Invitae), Labcorp
Classification: Benign. Last evaluated: 2018-07-04. Review status: criteria provided, single submitter. Criteria: Invitae Variant Classification Sherloc (09022015). Collection method: clinical testing. Allele origin: germline.

Breakthrough Genomics
Classification: Benign. Review status: criteria provided, single submitter. Criteria: ACMG Guidelines, 2015. Collection method: not provided. Allele origin: germline. Inheritance: Unknown mechanism. Affected: yes.

PreventionGenetics, part of Exact Sciences
Classification: Likely benign for MATN4-related condition. Last evaluated: 2020-01-02. Review status: no assertion criteria provided. Collection method: clinical testing. Allele origin: germline. Not counted in ClinVar's aggregate classification.
Comment: This variant is classified as likely benign based on ACMG/AMP sequence variant interpretation guidelines (Richards et al. 2015 PMID: 25741868, with internal and published modifications).